The following is an entry in ClinVar:

ClinVar aggregate classification (germline): Benign. Review status: criteria provided, multiple submitters, no conflicts (2 of 4 stars). 2 submissions from 2 submitters: Benign (2). Last evaluated 2018-06-19.

Allele frequency attached by ClinVar (database versions not stated): 1000 Genomes Project 0.87220; gnomAD exomes 0.89785; TOPMed 0.85001; gnomAD 0.86413 and 0.86101.

Submissions (2):

GeneDx
Classification: Benign. Last evaluated: 2018-06-19. Review status: criteria provided, single submitter. Criteria: GeneDx Variant Classification (06012015). Collection method: clinical testing. Allele origin: germline. Affected: yes.
Comment: This variant is considered likely benign or benign based on one or more of the following criteria: it is a conservative change, it occurs at a poorly conserved position in the protein, it is predicted to be benign by multiple in silico algorithms, and/or has population frequency not consistent with disease.

Breakthrough Genomics
Classification: Benign. Review status: criteria provided, single submitter. Criteria: ACMG Guidelines, 2015. Collection method: not provided. Allele origin: germline. Inheritance: Unknown mechanism. Affected: yes.

NM_015141.3(GPD1L):c.-227T>G

Genes: GPD1L (glycerol-3-phosphate dehydrogenase 1 like; plus strand), LOC129936414 (ATAC-STARR-seq lymphoblastoid silent region 14165; plus strand). Cytogenetic location: 3p22.3.
Variant type: single nucleotide variant.
Coding change: c.-227T>G on transcript NM_015141.3; 227 bases upstream of the start codon, T replaced by G.
Genome position (GRCh38, 1-based): chr3:32,106,485, T>G. VCF-style: chr3-32106485-T-G. GRCh37 (hg19) VCF-style: chr3-32147977-T-G.
Identifiers: ClinVar variation 671016 (VCV000671016.4), dbSNP rs6805518, ClinGen allele CA72542533.